The following is an entry in ClinVar:

ClinVar aggregate classification (germline): Benign. Review status: criteria provided, multiple submitters, no conflicts (2 of 4 stars). 3 submissions from 3 submitters: Benign (3). Last evaluated 2018-07-09.

Conditions:
Alport syndrome. Also called: Hemorrhagic familial nephritis; Hemorrhagic hereditary nephritis; Congenital hereditary hematuria. Identifiers: Orphanet 63, MedGen C1567741, MONDO:0018965.

Allele frequency attached by ClinVar (database versions not stated): TOPMed 0.08043; 1000 Genomes Project 0.09764; 1000 Genomes Project 30x 0.09775.
gnomAD v4.1: 52,260 of 598,328 alleles (8.7%); highest among the groups gnomAD compares: East Asian, 17%; 2,466 homozygotes.

Submissions (3):

GeneDx
Classification: Benign. Last evaluated: 2018-07-09. Review status: criteria provided, single submitter. Criteria: GeneDx Variant Classification Process June 2021. Collection method: clinical testing. Allele origin: germline. Affected: yes.

Illumina Laboratory Services, Illumina
Classification: Benign for Alport syndrome. Last evaluated: 2018-01-13. Review status: criteria provided, single submitter. Criteria: ICSL Variant Classification Criteria 13 December 2019. Collection method: clinical testing. Allele origin: germline.
Comment: This variant was observed in the ICSL laboratory as part of a predisposition screen in an ostensibly healthy population. It had not been previously curated by ICSL or reported in the Human Gene Mutation Database (HGMD: prior to June 1st, 2018), and was therefore a candidate for classification through an automated scoring system. Utilizing variant allele frequency, disease prevalence and penetrance estimates, and inheritance mode, an automated score was calculated to assess if this variant is too frequent to cause the disease. Based on the score and internal cut-off values, a variant classified as benign is not then subjected to further curation. The score for this variant resulted in a classification of benign for this disease.

Breakthrough Genomics
Classification: Benign. Review status: criteria provided, single submitter. Criteria: ACMG Guidelines, 2015. Collection method: not provided. Allele origin: germline. Inheritance: Autosomal recessive inheritance. Affected: yes.

NM_000092.5(COL4A4):c.*244C>T

Gene: COL4A4 (collagen type IV alpha 4 chain; minus strand). Cytogenetic location: 2q36.3.
Variant type: single nucleotide variant.
Coding change: c.*244C>T on transcript NM_000092.5 (MANE Select); 244 bases downstream of the stop codon, C replaced by T.
Molecular consequence: 3 prime UTR variant.
Genome position (GRCh38, 1-based): chr2:227,007,081, G>A on the plus strand (C>T on the coding strand, the complement: COL4A4 is on the minus strand). VCF-style: chr2-227007081-G-A. GRCh37 (hg19) VCF-style: chr2-227871797-G-A.
Identifiers: ClinVar variation 334695 (VCV000334695.7), dbSNP rs56196639, ClinGen allele CA10612642.